The following is an entry in ClinVar:

ClinVar aggregate classification (germline): Pathogenic/Likely pathogenic. Review status: criteria provided, multiple submitters, no conflicts (2 of 4 stars). 5 submissions from 5 submitters: Pathogenic (1); Likely pathogenic (3). 1 of the submissions does not count toward it. Last evaluated 2025-03-04.

Conditions:
Nephrogenic diabetes insipidus. Identifiers: Orphanet 223, MedGen C0162283, MONDO:0016383, HP:0009806.
Diabetes insipidus, nephrogenic, autosomal (NDI2). Also called: Diabetes insipidus, nephrogenic, 2, autosomal; Nephrogenic Diabetes Insipidus, Type II. Identifiers: Orphanet 223, MedGen C1563706, MONDO:0007451, OMIM 125800.

Allele frequency attached by ClinVar (database versions not stated): TOPMed 0.00004; ExAC 0.00015; gnomAD 0.00004.
gnomAD v4.1: 147 of 1,586,118 alleles (0.0093%); highest among the groups gnomAD compares: Non-Finnish European, 0.012%; no homozygotes.

Submissions (5):

Natera, Inc.
Classification: Likely pathogenic for Nephrogenic diabetes insipidus. Last evaluated: 2025-03-04. Review status: criteria provided, single submitter. Criteria: Natera Variant Classification Schema (03/2026). Collection method: clinical testing. Allele origin: germline.
Comment: The c.785C>T variant in AQP2 is a missense variant predicted to cause substitution of proline to leucine at amino acid 262. This variant is rare in the general population with a frequency below the threshold expected for the associated phenotype(s). This variant has been observed in one or more individuals affected with the associated recessive disease, as either homozygous or compound heterozygous with a second variant (PMID: 15509592). Functional studies show that this variant may disrupt protein function (PMID: 15509592, 9550615). Given the available evidence, this variant is classified as Likely Pathogenic.

GeneDx
Classification: Likely pathogenic. Last evaluated: 2024-11-21. Review status: criteria provided, single submitter. Criteria: GeneDx Variant Classification Process June 2021. Collection method: clinical testing. Allele origin: germline. Affected: yes.
Comment: Published functional studies demonstrate a damaging effect; the p.(P262L) variant results in increased localization to intracellular vesicles and basolateral membrane (PMID: 15509592, 28668390); In silico analysis indicates that this missense variant does not alter protein structure/function; This variant is associated with the following publications: (PMID: 22778181, 27641679, 29799470, 19139070, 10564236, 15509592, 9550615, 28668390, 18431594, 26069764)

Fulgent Genetics
Classification: Likely pathogenic for Diabetes insipidus, nephrogenic, autosomal. Last evaluated: 2024-04-01. Review status: criteria provided, single submitter. Criteria: ACMG Guidelines, 2015. Collection method: clinical testing. Allele origin: germline.

Labcorp Genetics (formerly Invitae), Labcorp
Classification: Pathogenic. Last evaluated: 2024-02-16. Review status: criteria provided, single submitter. Criteria: Invitae Variant Classification Sherloc (09022015). Collection method: clinical testing. Allele origin: germline.
Comment: This sequence change replaces proline, which is neutral and non-polar, with leucine, which is neutral and non-polar, at codon 262 of the AQP2 protein (p.Pro262Leu). This variant is present in population databases (rs104894339, gnomAD 0.01%). This missense change has been observed in individual(s) with autosomal recessive nephrogenic diabetes insipidus (PMID: 9550615, 15509592). In at least one individual the data is consistent with being in trans (on the opposite chromosome) from a pathogenic variant. ClinVar contains an entry for this variant (Variation ID: 17844). An algorithm developed to predict the effect of missense changes on protein structure and function (PolyPhen-2) suggests that this variant is likely to be tolerated. Experimental studies have shown that this missense change affects AQP2 function (PMID: 9550615, 15509592, 18431594, 22778181, 27641679). For these reasons, this variant has been classified as Pathogenic.

OMIM
Classification: Pathogenic for DIABETES INSIPIDUS, NEPHROGENIC, 2, AUTOSOMAL RECESSIVE. Last evaluated: 2021-06-24. Review status: no assertion criteria provided. Collection method: literature only. Allele origin: germline. Not counted in ClinVar's aggregate classification.

Literature cited by the submitters: PubMed 15509592 (cited by Natera, Inc. and Labcorp Genetics (formerly Invitae), Labcorp); PubMed 9550615 (cited by Natera, Inc. and Labcorp Genetics (formerly Invitae), Labcorp); PubMed 18431594 (cited by Labcorp Genetics (formerly Invitae), Labcorp); PubMed 22778181 (cited by Labcorp Genetics (formerly Invitae), Labcorp); PubMed 27641679 (cited by Labcorp Genetics (formerly Invitae), Labcorp); PubMed 7512890 (cited by OMIM).

NM_000486.6(AQP2):c.785C>T (p.Pro262Leu)

Genes: AQP2 (aquaporin 2; plus strand), AQP5-AS1 (AQP5 and AQP2 antisense RNA 2; minus strand). Cytogenetic location: 12q13.12.
Variant type: single nucleotide variant.
Coding change: c.785C>T on transcript NM_000486.6 (MANE Select); coding-DNA position 785, C replaced by T.
Protein change: p.Pro262Leu; replaces proline 262 with leucine.
Molecular consequence: missense variant.
Genome position (GRCh38, 1-based): chr12:49,955,577, C>T. VCF-style: chr12-49955577-C-T. GRCh37 (hg19) VCF-style: chr12-50349360-C-T.
Other names: short protein forms P262L.
Identifiers: ClinVar variation 17844 (VCV000017844.17), dbSNP rs104894339, ClinGen allele CA127490.